The following is an entry in ClinVar:

ClinVar aggregate classification (germline): Conflicting classifications of pathogenicity. Review status: criteria provided, conflicting classifications (1 of 4 stars). 6 submissions from 6 submitters: Likely pathogenic (1); Uncertain significance (4); Likely benign (1). Last evaluated 2025-04-30.

Conditions:
Hereditary cancer-predisposing syndrome. Also called: Neoplastic Syndromes, Hereditary; Tumor predisposition; Hereditary neoplastic syndrome; Hereditary Cancer Syndrome. Identifiers: Orphanet 140162, MedGen C0027672, MeSH D009386, MONDO:0015356.
Familial adenomatous polyposis 1 (FAP1). Also called: FAMILIAL ADENOMATOUS POLYPOSIS 1, ATTENUATED; POLYPOSIS, ADENOMATOUS INTESTINAL. Identifiers: MedGen C2713442, MONDO:0021056, OMIM 175100. Disease mechanism: loss of function.
Ovarian cancer. Also called: OVARIAN CANCER, SOMATIC. Identifiers: Orphanet 213500, MedGen C1140680, MONDO:0008170, OMIM 167000.

Allele frequency attached by ClinVar (database versions not stated): TOPMed below 0.00001; gnomAD 0.00001; gnomAD exomes 0.00001; ExAC 0.00002.
gnomAD v4.1: 6 of 1,614,080 alleles (0.00037%); highest among the groups gnomAD compares: East Asian, 0.0045%; no homozygotes.

Submissions (6):

GeneDx
Classification: Uncertain significance. Last evaluated: 2025-04-30. Review status: criteria provided, single submitter. Criteria: GeneDx Variant Classification Process June 2021. Collection method: clinical testing. Allele origin: germline. Affected: yes.
Comment: Not observed at significant frequency in large population cohorts (gnomAD); In silico analysis indicates that this missense variant does not alter protein structure/function; Observed in a patient with breast cancer (PMID: 29752822); This variant is associated with the following publications: (PMID: 29752822)

Labcorp Genetics (formerly Invitae), Labcorp
Classification: Uncertain significance for Familial adenomatous polyposis 1. Last evaluated: 2025-04-30. Review status: criteria provided, single submitter. Criteria: Invitae Variant Classification Sherloc (09022015). Collection method: clinical testing. Allele origin: germline.
Comment: This sequence change replaces serine, which is neutral and polar, with cysteine, which is neutral and slightly polar, at codon 92 of the APC protein (p.Ser92Cys). This variant is present in population databases (rs769708176, gnomAD 0.01%). This variant has not been reported in the literature in individuals affected with APC-related conditions. ClinVar contains an entry for this variant (Variation ID: 566182). Invitae Evidence Modeling of protein sequence and biophysical properties (such as structural, functional, and spatial information, amino acid conservation, physicochemical variation, residue mobility, and thermodynamic stability) indicates that this missense variant is not expected to disrupt APC protein function with a negative predictive value of 95%. In summary, the available evidence is currently insufficient to determine the role of this variant in disease. Therefore, it has been classified as a Variant of Uncertain Significance.

Baylor Genetics
Classification: Uncertain significance for Familial adenomatous polyposis 1. Last evaluated: 2023-09-08. Review status: criteria provided, single submitter. Criteria: ACMG Guidelines, 2015. Collection method: clinical testing. Allele origin: unknown.

Ambry Genetics
Classification: Likely benign for Hereditary cancer-predisposing syndrome. Last evaluated: 2023-03-20. Review status: criteria provided, single submitter. Criteria: Ambry Variant Classification Scheme 2023. Collection method: clinical testing. Allele origin: germline.

Laboratory of Molecular Epidemiology of Birth Defects, West China Second University Hospital, Sichuan University
Classification: Likely pathogenic for Ovarian cancer. Last evaluated: 2022-01-01. Review status: criteria provided, single submitter. Criteria: ACMG Guidelines, 2015. Collection method: clinical testing. Allele origin: germline. Affected: yes.

Color Diagnostics, LLC DBA Color Health
Classification: Uncertain significance for Hereditary cancer-predisposing syndrome. Last evaluated: 2021-04-02. Review status: criteria provided, single submitter. Criteria: ACMG Guidelines, 2015. Collection method: clinical testing. Allele origin: germline.
Comment: This missense variant replaces serine with cysteine at codon 92 of the APC protein. Computational prediction is inconclusive regarding the impact of this variant on protein structure and function (internally defined REVEL score threshold 0.5 < inconclusive < 0.7, PMID: 27666373). To our knowledge, functional studies have not been reported for this variant. This variant has not been reported in individuals affected with hereditary cancer in the literature. This variant has been identified in 3/251472 chromosomes in the general population by the Genome Aggregation Database (gnomAD). The available evidence is insufficient to determine the role of this variant in disease conclusively. Therefore, this variant is classified as a Variant of Uncertain Significance.

Literature cited by the submitters: PubMed 29752822 (cited by Ambry Genetics).

NM_000038.6(APC):c.275C>G (p.Ser92Cys)

Gene: APC (APC regulator of Wnt signaling pathway; plus strand). Cytogenetic location: 5q22.2.
Variant type: single nucleotide variant.
Coding change: c.275C>G on transcript NM_000038.6 (MANE Select); coding-DNA position 275, C replaced by G.
Protein change: p.Ser92Cys; replaces serine 92 with cysteine.
Molecular consequence: missense variant. On other transcripts: 5 prime UTR variant (1).
Genome position (GRCh38, 1-based): chr5:112,767,243, C>G. VCF-style: chr5-112767243-C-G. GRCh37 (hg19) VCF-style: chr5-112102940-C-G.
Other names: c.275C>G, p.Ser92Cys (NM_001127510.3, NM_001354895.2, NM_001354896.2 and 2 more transcripts); c.305C>G, p.Ser102Cys (NM_001127511.3, NM_001354897.2, NM_001354902.2); c.200C>G, p.Ser67Cys (NM_001354898.2, NM_001354904.2); c.98C>G, p.Ser33Cys (NM_001354900.2, NM_001354901.2, NM_001354905.2); c.-761C>G (NM_001354906.2); short protein forms S102C, S92C, S67C, S33C.
Identifiers: ClinVar variation 566182 (VCV000566182.21), dbSNP rs769708176, ClinGen allele CA033319.
Genomic context (GRCh38, chr5:112,767,243, plus strand): 5'-ATTTAGAGCTTAACTTAGATAGCAGTAATTTCCCTGGAGTAAAACTGCGGTCAAAAATGT[C>G]CCTCCGTTCTTATGGAAGCCGGGAAGGATCTGTATCAAGCCGTTCTGGAGAGTGCAGTCC-3'
Protein context (NP_000029.2, residues 82-102): FPGVKLRSKM[Ser92Cys]LRSYGSREGS